The following is an entry in ClinVar:

NM_005006.7(NDUFS1):c.1669C>T (p.Arg557Ter)

Gene: NDUFS1 (NADH:ubiquinone oxidoreductase core subunit S1; minus strand). Cytogenetic location: 2q33.3.
Variant type: single nucleotide variant.
Coding change: c.1669C>T on transcript NM_005006.7 (MANE Select); coding-DNA position 1669, C replaced by T.
Protein change: p.Arg557Ter; replaces arginine 557 with a stop codon.
Molecular consequence: nonsense.
Genome position (GRCh38, 1-based): chr2:206,130,127, G>A on the plus strand (C>T on the coding strand, the complement: NDUFS1 is on the minus strand). VCF-style: chr2-206130127-G-A. GRCh37 (hg19) VCF-style: chr2-206994851-G-A.
Other names: c.1561C>T, p.Arg521Ter (NM_001199981.2); c.1336C>T, p.Arg446Ter (NM_001199982.2); c.1498C>T, p.Arg500Ter (NM_001199983.2); c.1711C>T, p.Arg571Ter (NM_001199984.2); short protein forms R557*, R500*, R521*, R446*, R571*.
Identifiers: ClinVar variation 50923 (VCV000050923.10), dbSNP rs372691318, ClinGen allele CA143871.

ClinVar aggregate classification (germline): Pathogenic. Review status: criteria provided, multiple submitters, no conflicts (2 of 4 stars). 5 submissions from 5 submitters: Pathogenic (4). 1 of the submissions does not count toward it. Last evaluated 2025-09-02.

Conditions:
Mitochondrial complex I deficiency, nuclear type 5. Also called: Mitochondrial complex 1 deficiency, nuclear type 5. Identifiers: MedGen C4748754, MONDO:0032610, OMIM 618226.

Allele frequency attached by ClinVar (database versions not stated): gnomAD 0.00001 and 0.00002; ESP Exome Variant Server 0.00008; ExAC 0.00001; TOPMed 0.00002.
gnomAD v4.1: 64 of 1,613,974 alleles (0.004%); highest among the groups gnomAD compares: Non-Finnish European, 0.005%; no homozygotes.

Submissions (5):

Labcorp Genetics (formerly Invitae), Labcorp
Classification: Pathogenic. Last evaluated: 2025-09-02. Review status: criteria provided, single submitter. Criteria: Invitae Variant Classification Sherloc (09022015). Collection method: clinical testing. Allele origin: germline.
Comment: This sequence change creates a premature translational stop signal (p.Arg557*) in the NDUFS1 gene. It is expected to result in an absent or disrupted protein product. Loss-of-function variants in NDUFS1 are known to be pathogenic (PMID: 11349233, 22200994). This variant is present in population databases (rs372691318, gnomAD 0.003%). This premature translational stop signal has been observed in individual(s) with mitochondrial complex I deficiency (PMID: 11349233). ClinVar contains an entry for this variant (Variation ID: 50923). For these reasons, this variant has been classified as Pathogenic.

First Genomix Gene Laboratory, Genetic Diagnostics Department
Classification: Pathogenic for Mitochondrial complex I deficiency, nuclear type 5. Last evaluated: 2025-06-20. Review status: criteria provided, single submitter. Criteria: ACMG Guidelines, 2015. Collection method: clinical testing. Allele origin: germline. Inheritance: Autosomal recessive inheritance. Affected: no. Observed: 1 variant allele.

GeneDx
Classification: Pathogenic. Last evaluated: 2023-06-22. Review status: criteria provided, single submitter. Criteria: GeneDx Variant Classification Process June 2021. Collection method: clinical testing. Allele origin: germline. Affected: yes.
Comment: Nonsense variant predicted to result in protein truncation or nonsense mediated decay in a gene for which loss-of-function is a known mechanism of disease; Not observed at significant frequency in large population cohorts (gnomAD); This variant is associated with the following publications: (PMID: 22310368, 16213125, 25525159, 22272371, 22523683, 20382551, 19703648, 19255735, 11349233, 36403546, 35551180, 34670123)

Institute of Human Genetics, University of Leipzig Medical Center
Classification: Pathogenic for Mitochondrial complex I deficiency, nuclear type 5. Last evaluated: 2022-02-22. Review status: criteria provided, single submitter. Criteria: ACMG Guidelines, 2015. Collection method: clinical testing. Allele origin: maternal. Affected: yes.
Comment: This variant was identified as compound heterozygous with NM_005006.7:c.2006A>G._x000D_ Criteria applied: PVS1, PM3, PM2_SUP

OMIM
Classification: Pathogenic for MITOCHONDRIAL COMPLEX I DEFICIENCY, NUCLEAR TYPE 5. Last evaluated: 2010-07-01. Review status: no assertion criteria provided. Collection method: literature only. Allele origin: germline. Not counted in ClinVar's aggregate classification.

Literature cited by the submitters: PubMed 11349233 (cited by Labcorp Genetics (formerly Invitae), Labcorp); PubMed 22200994 (cited by Labcorp Genetics (formerly Invitae), Labcorp); PubMed 20382551 (cited by OMIM).